The following is an entry in ClinVar:

NM_000059.4(BRCA2):c.8352G>T (p.Arg2784=)

Gene: BRCA2 (BRCA2 DNA repair associated; plus strand). Cytogenetic location: 13q13.1.
Variant type: single nucleotide variant.
Coding change: c.8352G>T on transcript NM_000059.4 (MANE Select); coding-DNA position 8352, G replaced by T.
Protein change: p.Arg2784=; no amino-acid change (arginine 2784 retained).
Molecular consequence: synonymous variant.
Genome position (GRCh38, 1-based): chr13:32,370,422, G>T. VCF-style: chr13-32370422-G-T. GRCh37 (hg19) VCF-style: chr13-32944559-G-T.
Identifiers: ClinVar variation 231085 (VCV000231085.30), dbSNP rs747664806, ClinGen allele CA10579780.

ClinVar aggregate classification (germline): Likely benign. Review status: reviewed by expert panel (3 of 4 stars). 11 submissions from 11 submitters: Likely benign (1). 10 of the submissions do not count toward it. Last evaluated 2017-06-29.

Conditions:
BRCA2-related disorder. Also called: BRCA2-related condition; BRCA2-related disorders. Identifiers: MedGen CN239275.
Hereditary cancer-predisposing syndrome. Also called: Hereditary Cancer Syndrome; Neoplastic Syndromes, Hereditary; Tumor predisposition; Hereditary neoplastic syndrome. Identifiers: Orphanet 140162, MedGen C0027672, MeSH D009386, MONDO:0015356.
Breast-ovarian cancer, familial, susceptibility to, 2 (BROVCA2). Also called: BRCA2 Hereditary Breast and Ovarian Cancer. Identifiers: Orphanet 145, MedGen C2675520, MONDO:0012933, OMIM 612555. Disease mechanism: loss of function.
Hereditary breast ovarian cancer syndrome. Also called: Hereditary breast and/or ovarian cancer syndrome; BRCA1- and BRCA2-Associated Hereditary Breast and Ovarian Cancer; Hereditary breast and ovarian cancer syndrome (HBOC); Hereditary breast and ovarian cancer; Hereditary breast and ovarian cancer syndrome; Breast and ovarian cancer. Identifiers: Orphanet 145, MedGen C0677776, MeSH D061325, MONDO:0003582. Disease mechanism: loss of function.

Allele frequency attached by ClinVar (database versions not stated): gnomAD 0.00001; TOPMed 0.00002.
gnomAD v4.1: 17 of 1,613,530 alleles (0.0011%); highest among the groups gnomAD compares: Admixed American, 0.028%; no homozygotes.

Submissions (11):

Evidence-based Network for the Interpretation of Germline Mutant Alleles (ENIGMA)
Classification: Likely benign for Breast-ovarian cancer, familial, susceptibility to, 2. Last evaluated: 2017-06-29. Review status: reviewed by expert panel. Criteria: ENIGMA BRCA1/2 Classification Criteria (2017-06-29). Collection method: curation. Allele origin: germline.
Comment: Synonymous substitution variant, with low bioinformatic likelihood to result in a splicing aberration (Splicing prior probability 0.02).

Labcorp Genetics (formerly Invitae), Labcorp
Classification: Benign for Hereditary breast ovarian cancer syndrome. Last evaluated: 2026-01-21. Review status: criteria provided, single submitter. Criteria: Invitae Variant Classification Sherloc (09022015). Collection method: clinical testing. Allele origin: germline. Not counted in ClinVar's aggregate classification.

All of Us Research Program, National Institutes of Health
Classification: Likely benign for Breast-ovarian cancer, familial, susceptibility to, 2. Last evaluated: 2023-11-30. Review status: criteria provided, single submitter. Criteria: ACMG Guidelines, 2015. Collection method: clinical testing. Allele origin: germline. Inheritance: Autosomal dominant inheritance. Observed: 1 variant allele, 1 heterozygote. Not counted in ClinVar's aggregate classification.
Comment: This study involves interpretation of variants in research participants for the purpose of population health screening. Participant phenotype was not available at the time of variant classification. Additional details can be found in publication PMID: 35346344, PMCID: PMC8962531

Sema4
Classification: Likely benign for Hereditary cancer-predisposing syndrome. Last evaluated: 2021-12-20. Review status: criteria provided, single submitter. Criteria: Sema4 Curation Guidelines. Collection method: curation. Allele origin: germline. Not counted in ClinVar's aggregate classification.

Quest Diagnostics Nichols Institute San Juan Capistrano
Classification: Benign. Last evaluated: 2020-04-03. Review status: criteria provided, single submitter. Criteria: Quest Diagnostics criteria. Collection method: clinical testing. Allele origin: unknown. Not counted in ClinVar's aggregate classification.

Women's Health and Genetics/Laboratory Corporation of America, LabCorp
Classification: Likely benign. Last evaluated: 2018-10-12. Review status: criteria provided, single submitter. Criteria: LabCorp Variant Classification Summary - May 2015. Collection method: clinical testing. Allele origin: germline. Not counted in ClinVar's aggregate classification.
Comment: Variant summary: BRCA2 c.8352G>T alters a non-conserved nucleotide resulting in a synonymous change. 5/5 computational tools predict no significant impact on normal splicing. However, these predictions have yet to be confirmed by functional studies. The variant allele was found at a frequency of 5.3e-05 in 246210 control chromosomes, predominantly at a frequency of 0.00036 within the Latino subpopulation in the gnomAD database. This frequency is not significantly higher than expected for a pathogenic variant in BRCA2 causing Hereditary Breast and Ovarian Cancer (5.3e-05 vs 0.00075), allowing no conclusion about variant significance. To our knowledge, no occurrence of c.8352G>T in individuals affected with Hereditary Breast and Ovarian Cancer and no experimental evidence demonstrating its impact on protein function have been reported. Co-occurrences with other likely pathogenic variant(s) have been reported (PALB2 c.8352G>T, p.Ser779X) in our internal database, providing supporting evidence for a benign role. Four clinical diagnostic laboratories have submitted clinical-significance assessments for this variant to ClinVar after 2014 without evidence for independent evaluation. All laboratories classified the variant as likely benign. Based on the evidence outlined above, the variant was classified as likely benign.

Color Diagnostics, LLC DBA Color Health
Classification: Likely benign for Hereditary cancer-predisposing syndrome. Last evaluated: 2018-03-19. Review status: criteria provided, single submitter. Criteria: ACMG Guidelines, 2015. Collection method: clinical testing. Allele origin: germline. Not counted in ClinVar's aggregate classification.

ARUP Laboratories, Molecular Genetics and Genomics, ARUP Laboratories
Classification: Likely benign. Last evaluated: 2017-07-06. Review status: criteria provided, single submitter. Criteria: ARUP Molecular Germline Variant Investigation Process. Collection method: clinical testing. Allele origin: germline. Not counted in ClinVar's aggregate classification.

GeneDx
Classification: Benign. Last evaluated: 2015-05-29. Review status: criteria provided, single submitter. Criteria: GeneDx Variant Classification Process June 2021. Collection method: clinical testing. Allele origin: germline. Affected: yes. Not counted in ClinVar's aggregate classification.

Ambry Genetics
Classification: Likely benign for Hereditary cancer-predisposing syndrome. Last evaluated: 2015-03-24. Review status: criteria provided, single submitter. Criteria: Ambry Variant Classification Scheme 2023. Collection method: clinical testing. Allele origin: germline. Not counted in ClinVar's aggregate classification.

PreventionGenetics, part of Exact Sciences
Classification: Likely benign for BRCA2-related condition. Last evaluated: 2019-10-08. Review status: no assertion criteria provided. Collection method: clinical testing. Allele origin: germline. Not counted in ClinVar's aggregate classification.
Comment: This variant is classified as likely benign based on ACMG/AMP sequence variant interpretation guidelines (Richards et al. 2015 PMID: 25741868, with internal and published modifications).